The following is an entry in ClinVar:

NM_153240.5(NPHP3):c.634dup (p.Glu212fs)

Genes: NPHP3-ACAD11 (NPHP3-ACAD11 readthrough (NMD candidate); minus strand), NPHP3 (nephrocystin 3; minus strand). Cytogenetic location: 3q22.1.
Variant type: Duplication.
Coding change: c.634dup on transcript NM_153240.5 (MANE Select); coding-DNA position 634, one base duplicated (G; older notation c.634dupG).
Protein change: p.Glu212fs; shifts the reading frame from glutamic acid 212.
Molecular consequence: frameshift variant. On other transcripts: non-coding transcript variant (1).
Genome position (GRCh38, 1-based): chr3:132,719,030, C duplicated on the plus strand (G on the coding strand, the reverse complement: NPHP3 is on the minus strand); the first of 4 consecutive C bases (chr3:132,719,030-132,719,033); duplicating any one gives the same sequence. VCF-style (leftmost placement, unchanged base first): chr3-132719029-T-TC. GRCh37 (hg19) VCF-style: chr3-132437873-T-TC.
Other names: c.634dup (NM_153240.4); short protein forms E212fs.
Identifiers: ClinVar variation 500889 (VCV000500889.12), dbSNP rs747052534, ClinGen allele CA2622548.
Genomic context (GRCh38, chr3:132,719,029, plus strand): 5'-AAATATAAATAGGATATACACTTACCAGTGACATCTGTACAGTTGTCATCTGAATCAGAC[T>TC]CCCCAGGATCAAATACTTGGATACCCTGAGCCTGTAGCCTCTGAAGTTTGCTCTCCAACT-3'

ClinVar aggregate classification (germline): Pathogenic/Likely pathogenic. Review status: criteria provided, multiple submitters, no conflicts (2 of 4 stars). 4 submissions from 4 submitters: Pathogenic (2); Likely pathogenic (2). Last evaluated 2024-04-22.

Conditions:
NPHP3-related disorder. Also called: NPHP3-related disorders; NPHP3-related condition. Identifiers: MedGen CN379163.
Nephronophthisis 3 (NPHP3). Also called: Adolescent nephronophthisis. Identifiers: Orphanet 655, MedGen C1858392, MONDO:0011456, OMIM 604387.
NPHP3-related Meckel-like syndrome. Also called: Meckel syndrome type 7; GOLDSTON SYNDROME. Identifiers: Orphanet 3032, MedGen C2673885, MONDO:0009966, OMIM 267010.
Renal-hepatic-pancreatic dysplasia 1 (RHPD1). Identifiers: MedGen C3715199, MONDO:0008833, OMIM 208540.
Nephronophthisis. Also called: Juvenile Nephronophthisis. Identifiers: Orphanet 655, MedGen C0687120, MONDO:0019005, HP:0000090.

Submissions (4):

Labcorp Genetics (formerly Invitae), Labcorp
Classification: Pathogenic for Nephronophthisis. Last evaluated: 2024-04-22. Review status: criteria provided, single submitter. Criteria: Invitae Variant Classification Sherloc (09022015). Collection method: clinical testing. Allele origin: germline.
Comment: This sequence change creates a premature translational stop signal (p.Glu212Glyfs*3) in the NPHP3 gene. It is expected to result in an absent or disrupted protein product. Loss-of-function variants in NPHP3 are known to be pathogenic (PMID: 18371931, 23559409). This variant is present in population databases (rs747052534, gnomAD 0.006%). This variant has not been reported in the literature in individuals affected with NPHP3-related conditions. ClinVar contains an entry for this variant (Variation ID: 500889). For these reasons, this variant has been classified as Pathogenic.

Fulgent Genetics
Classification: Likely pathogenic for Renal-hepatic-pancreatic dysplasia 1; NPHP3-related Meckel-like syndrome; Nephronophthisis 3. Last evaluated: 2024-02-16. Review status: criteria provided, single submitter. Criteria: ACMG Guidelines, 2015. Collection method: clinical testing. Allele origin: germline.

Eurofins Ntd Llc (ga)
Classification: Pathogenic. Last evaluated: 2018-07-05. Review status: criteria provided, single submitter. Criteria: EGL ClinVar v180209 classification definitions. Collection method: clinical testing. Allele origin: germline. Observed: 1 variant allele, 1 heterozygote.

Rady Children's Institute for Genomic Medicine, Rady Children's Hospital San Diego
Classification: Likely pathogenic for NPHP3-related disorders. Review status: criteria provided, single submitter. Criteria: ACMG Guidelines, 2015. Collection method: clinical testing. Allele origin: germline. Affected: yes.
Comment: This frameshifting variant in exon 3 of 27 is predicted to result in loss of normal protein function through either protein truncation or nonsense-mediated mRNA decay (NMD). This variant has not been previously reported or functionally characterized in the literature to our knowledge. Loss-of-function variants have been reported in individuals with NPHP3-related disorders (PMID: 32596782). The c.634dup (p.Glu212GlyfsTer3) variant is present in the heterozygous state in the gnomAD population database at a frequency of 0.001% (2/251454) and thus is presumed to be rare. Based on the available evidence, the c.634dup (p.Glu212GlyfsTer3) variant is classified as Likely Pathogenic.

Literature cited by the submitters: PubMed 18371931 (cited by Labcorp Genetics (formerly Invitae), Labcorp); PubMed 23559409 (cited by Labcorp Genetics (formerly Invitae), Labcorp).